The following is an entry in ClinVar:

ClinVar aggregate classification (germline): Uncertain significance (1 of 4 stars; one submission).

gnomAD v4.1: 2 of 1,614,130 alleles (0.00012%); highest among the groups gnomAD compares: Middle Eastern, 0.033%; 1 homozygote.

Submission:

Labcorp Genetics (formerly Invitae), Labcorp
Classification: Uncertain significance. Last evaluated: 2025-05-18. Review status: criteria provided, single submitter. Criteria: Invitae Variant Classification Sherloc (09022015). Collection method: clinical testing. Allele origin: germline.
Comment: This sequence change replaces threonine, which is neutral and polar, with isoleucine, which is neutral and non-polar, at codon 581 of the ACTN1 protein (p.Thr581Ile). This variant is not present in population databases (gnomAD no frequency). This variant has not been reported in the literature in individuals affected with ACTN1-related conditions. Invitae Evidence Modeling of protein sequence and biophysical properties (such as structural, functional, and spatial information, amino acid conservation, physicochemical variation, residue mobility, and thermodynamic stability) indicates that this missense variant is not expected to disrupt ACTN1 protein function with a negative predictive value of 80%. In summary, the available evidence is currently insufficient to determine the role of this variant in disease. Therefore, it has been classified as a Variant of Uncertain Significance.

NM_001130004.2(ACTN1):c.1742C>T (p.Thr581Ile)

Gene: ACTN1 (actinin alpha 1; minus strand). Cytogenetic location: 14q24.1.
Variant type: single nucleotide variant.
Coding change: c.1742C>T on transcript NM_001130004.2 (MANE Select); coding-DNA position 1742, C replaced by T.
Protein change: p.Thr581Ile; replaces threonine 581 with isoleucine.
Molecular consequence: missense variant. On other transcripts: intron variant (5).
Genome position (GRCh38, 1-based): chr14:68,882,949, G>A on the plus strand (C>T on the coding strand, the complement: ACTN1 is on the minus strand). VCF-style: chr14-68882949-G-A. GRCh37 (hg19) VCF-style: chr14-69349666-G-A.
Other names: c.1742C>T, p.Thr581Ile (NM_001102.4, NM_001130005.2, NM_001424012.1 and 2 more transcripts); c.1766C>T, p.Thr589Ile (NM_001411035.1, NM_001424016.1); c.1547C>T, p.Thr516Ile (NM_001411036.1, NM_001424026.1, NM_001424028.1); c.1868C>T, p.Thr623Ile (NM_001424013.1); c.1829C>T, p.Thr610Ile (NM_001424015.1); c.1739C>T, p.Thr580Ile (NM_001424017.1); c.1703C>T, p.Thr568Ile (NM_001424018.1); c.1679C>T, p.Thr560Ile (NM_001424020.1, NM_001424022.1); and 3 more; short protein forms T306I, T558I, T560I, T568I, T589I, T580I, T610I, T623I.
Identifiers: ClinVar variation 4761346 (VCV004761346.1).